The following is an entry in ClinVar:

ClinVar aggregate classification (germline): Benign/Likely benign. Review status: criteria provided, multiple submitters, no conflicts (2 of 4 stars). 4 submissions from 4 submitters: Benign (1); Likely benign (2). 1 of the submissions does not count toward it. Last evaluated 2026-01-02.

Conditions:
EPS8L2-related disorder. Also called: EPS8L2-related condition.

Allele frequency attached by ClinVar (database versions not stated): gnomAD exomes 0.00012; gnomAD 0.00025; ExAC 0.00046; 1000 Genomes Project 30x 0.00062; 1000 Genomes Project 0.00080.
gnomAD v4.1: 214 of 1,563,334 alleles (0.014%); highest among the groups gnomAD compares: East Asian, 0.4%; 2 homozygotes.

Submissions (4):

Labcorp Genetics (formerly Invitae), Labcorp
Classification: Benign. Last evaluated: 2026-01-02. Review status: criteria provided, single submitter. Criteria: Invitae Variant Classification Sherloc (09022015). Collection method: clinical testing. Allele origin: germline.

CeGaT Center for Human Genetics Tuebingen
Classification: Likely benign. Last evaluated: 2025-06-01. Review status: criteria provided, single submitter. Criteria: CeGaT Center For Human Genetics Tuebingen Variant Classification Criteria Version 2. Collection method: clinical testing. Allele origin: germline. Affected: yes. Observed: 1 variant allele.
Comment: EPS8L2: BP4, BP7

Blueprint Genetics
Classification: Likely benign. Last evaluated: 2024-05-30. Review status: criteria provided, single submitter. Criteria: ACMG Guidelines, 2015. Collection method: clinical testing. Allele origin: germline.

PreventionGenetics, part of Exact Sciences
Classification: Likely benign for EPS8L2-related condition. Last evaluated: 2019-12-13. Review status: no assertion criteria provided. Collection method: clinical testing. Allele origin: germline. Not counted in ClinVar's aggregate classification.
Comment: This variant is classified as likely benign based on ACMG/AMP sequence variant interpretation guidelines (Richards et al. 2015 PMID: 25741868, with internal and published modifications).

NM_022772.4(EPS8L2):c.783C>T (p.Cys261=)

Gene: EPS8L2 (EPS8 signaling adaptor L2; plus strand). Cytogenetic location: 11p15.5.
Variant type: single nucleotide variant.
Coding change: c.783C>T on transcript NM_022772.4 (MANE Select); coding-DNA position 783, C replaced by T.
Protein change: p.Cys261=; no amino-acid change (cysteine 261 retained).
Molecular consequence: synonymous variant.
Genome position (GRCh38, 1-based): chr11:721,579, C>T. VCF-style: chr11-721579-C-T. GRCh37 (hg19) VCF-style: chr11-721579-C-T.
Other names: c.783C>T (NM_022772.3).
Identifiers: ClinVar variation 2040610 (VCV002040610.17), dbSNP rs543575638, ClinGen allele CA5787264.
Genomic context (GRCh38, chr11:721,579, plus strand): 5'-CGGTGGGGAGTGTCAGGGGCTGACCCCTGACCCCCTCTGACCCCAGCAAATCCTCAACTG[C>T]GCCCTGGACGACATCGAGTGGTTTGTGGCCCGGCTGCAGAAGGCAGCCGAGGCTTTCAAG-3'
Protein context (NP_073609.2, residues 251-271): KIEKETQILN[Cys261=]ALDDIEWFVA